The following is an entry in ClinVar:

NM_001846.4(COL4A2):c.3769G>A (p.Gly1257Ser)

Gene: COL4A2 (collagen type IV alpha 2 chain; plus strand). Cytogenetic location: 13q34.
Variant type: single nucleotide variant.
Coding change: c.3769G>A on transcript NM_001846.4 (MANE Select); coding-DNA position 3769, G replaced by A.
Protein change: p.Gly1257Ser; replaces glycine 1257 with serine.
Molecular consequence: missense variant.
Genome position (GRCh38, 1-based): chr13:110,501,676, G>A. VCF-style: chr13-110501676-G-A. GRCh37 (hg19) VCF-style: chr13-111154023-G-A.
Other names: short protein forms G1257S.
Identifiers: ClinVar variation 1319005 (VCV001319005.2), dbSNP rs2139549819, ClinGen allele CA388734897.

ClinVar aggregate classification (germline): Uncertain significance (1 of 4 stars; one submission).

Submission:

GeneDx
Classification: Uncertain significance. Last evaluated: 2019-03-21. Review status: criteria provided, single submitter. Criteria: GeneDx Variant Classification Process June 2021. Collection method: clinical testing. Allele origin: germline. Affected: yes.
Comment: Not observed in large population cohorts (Lek et al., 2016); In silico analysis, which includes protein predictors and evolutionary conservation, supports a deleterious effect; Has not been previously published as pathogenic or benign to our knowledge